The following is an entry in ClinVar:

NM_001244008.2(KIF1A):c.2116+12C>T

Gene: KIF1A (kinesin family member 1A; minus strand). Cytogenetic location: 2q37.3.
Variant type: single nucleotide variant.
Coding change: c.2116+12C>T on transcript NM_001244008.2 (MANE Select); 12 bases into the intron after coding-DNA position 2116, C replaced by T.
Molecular consequence: intron variant.
Genome position (GRCh38, 1-based): chr2:240,762,707, G>A on the plus strand (C>T on the coding strand, the complement: KIF1A is on the minus strand). VCF-style: chr2-240762707-G-A. GRCh37 (hg19) VCF-style: chr2-241702124-G-A.
Other names: c.2089+12C>T (NM_001379653.1, NM_001379650.1, NM_001379645.1 and 10 more transcripts); c.2191+12C>T (NM_001379635.1, NM_001330290.2, NM_001379646.1 and 2 more transcripts); c.2164+12C>T (NM_001379637.1, NM_001379648.1); c.2116+12C>T (NM_001320705.2, NM_001379638.1, NM_001330289.2).
Identifiers: ClinVar variation 335274 (VCV000335274.13), dbSNP rs192836330, ClinGen allele CA2208192.

ClinVar aggregate classification (germline): Conflicting classifications of pathogenicity. Review status: criteria provided, conflicting classifications (1 of 4 stars). 4 submissions from 4 submitters: Uncertain significance (1); Likely benign (3). Last evaluated 2025-12-16.

Conditions:
Hereditary spastic paraplegia 30. Identifiers: Orphanet 101010, MedGen C5235139, MONDO:0012476.
Neuropathy, hereditary sensory, type 2C. Also called: KIF1A-Related HSAN2 (HSAN2C); Hereditary sensory and autonomic neuropathy type IIC. Identifiers: Orphanet 970, MedGen C3280168, MONDO:0013634, OMIM 614213.
Intellectual disability, autosomal dominant 9 (NESCAVS). Also called: KIF1A-Related Neurodevelopmental Disorder; NESCAV SYNDROME. Identifiers: Orphanet 662367, MedGen C5393830, MONDO:0013656, OMIM 614255.

Allele frequency attached by ClinVar (database versions not stated): gnomAD exomes 0.00003 and 0.00009; gnomAD 0.00004; TOPMed 0.00006; ExAC 0.00013; 1000 Genomes Project 0.00040; 1000 Genomes Project 30x 0.00047.
gnomAD v4.1: 51 of 1,575,202 alleles (0.0032%); highest among the groups gnomAD compares: Admixed American, 0.034%; no homozygotes.

Submissions (4):

Labcorp Genetics (formerly Invitae), Labcorp
Classification: Likely benign for Hereditary spastic paraplegia 30; Neuropathy, hereditary sensory, type 2C; Intellectual disability, autosomal dominant 9. Last evaluated: 2025-12-16. Review status: criteria provided, single submitter. Criteria: Invitae Variant Classification Sherloc (09022015). Collection method: clinical testing. Allele origin: germline.

Blueprint Genetics
Classification: Likely benign. Last evaluated: 2022-12-02. Review status: criteria provided, single submitter. Criteria: ACMG Guidelines, 2015. Collection method: clinical testing. Allele origin: germline.

Illumina Laboratory Services, Illumina
Classification: Uncertain significance for Spastic paraplegia 30A, autosomal dominant. Last evaluated: 2018-01-13. Review status: criteria provided, single submitter. Criteria: ICSL Variant Classification Criteria 13 December 2019. Collection method: clinical testing. Allele origin: germline.

GeneDx
Classification: Likely benign. Last evaluated: 2016-11-11. Review status: criteria provided, single submitter. Criteria: GeneDx Variant Classification (06012015). Collection method: clinical testing. Allele origin: germline. Affected: yes.
Comment: This variant is considered likely benign or benign based on one or more of the following criteria: it is a conservative change, it occurs at a poorly conserved position in the protein, it is predicted to be benign by multiple in silico algorithms, and/or has population frequency not consistent with disease.